The following is an entry in ClinVar:

NM_001805.4(CEBPE):c.664C>T (p.Arg222Ter)

Gene: CEBPE (CCAAT enhancer binding protein epsilon; minus strand). Cytogenetic location: 14q11.2.
Variant type: single nucleotide variant.
Coding change: c.664C>T on transcript NM_001805.4 (MANE Select); coding-DNA position 664, C replaced by T.
Protein change: p.Arg222Ter; replaces arginine 222 with a stop codon.
Molecular consequence: nonsense.
Genome position (GRCh38, 1-based): chr14:23,117,669, G>A on the plus strand (C>T on the coding strand, the complement: CEBPE is on the minus strand). VCF-style: chr14-23117669-G-A. GRCh37 (hg19) VCF-style: chr14-23586878-G-A.
Other names: short protein forms R222*.
Identifiers: ClinVar variation 4999226 (VCV004999226.1).
Genomic context (GRCh38, chr14:23,117,669, plus strand): 5'-CTGCCATGTACTCCAGCACCTTCTGCTGCGTCTCCAGAATGCGCCTCTTGGCCTTGTCTC[G>A]GCTCTTGCGCACGGCGATGTTGTTGCGCTCCCGCCTCAGCCGGTACTCAAGGCTATCTTT-3'

ClinVar aggregate classification (germline): Uncertain significance (1 of 4 stars; one submission).

Conditions:
CEBPE-related disorder. Also called: CEBPE-related condition.

gnomAD v4.1: 1 of 1,614,166 alleles (0.000062%); highest among the groups gnomAD compares: Non-Finnish European, 0.000085%; no homozygotes.

Submission:

PreventionGenetics, part of Exact Sciences
Classification: Uncertain significance for CEBPE-related condition. Last evaluated: 2025-01-06. Review status: criteria provided, single submitter. Criteria: ACMG Guidelines, 2015. Collection method: clinical testing. Allele origin: germline.
Comment: The CEBPE c.664C>T variant is predicted to result in premature protein termination (p.Arg222*). To our knowledge, this variant has not been reported in the literature or in a large population database (gnomAD), indicating this variant is rare. Although we suspect that this variant may be pathogenic, at this time, the clinical significance of this variant is uncertain due to the absence of conclusive functional and genetic evidence.